The following is an entry in ClinVar:

NM_002474.3(MYH11):c.1440C>G (p.Asn480Lys)

Gene: MYH11 (myosin heavy chain 11; minus strand). Cytogenetic location: 16p13.11.
Variant type: single nucleotide variant.
Coding change: c.1440C>G on transcript NM_002474.3 (MANE Select); coding-DNA position 1440, C replaced by G.
Protein change: p.Asn480Lys; replaces asparagine 480 with lysine.
Molecular consequence: missense variant.
Genome position (GRCh38, 1-based): chr16:15,757,962, G>C on the plus strand (C>G on the coding strand, the complement: MYH11 is on the minus strand). VCF-style: chr16-15757962-G-C. GRCh37 (hg19) VCF-style: chr16-15851819-G-C.
Other names: c.1461C>G, p.Asn487Lys (NM_001040113.2, NM_001040114.2); c.1440C>G, p.Asn480Lys (NM_022844.3); short protein forms N480K, N487K.
Identifiers: ClinVar variation 3073584 (VCV003073584.1), dbSNP rs554373758, ClinGen allele CA394871454.
Genomic context (GRCh38, chr16:15,757,962, plus strand): 5'-CTGGTACTCCTCCTGCTCCAGGATGAACATGGTGTGGTTGAAGAGCTGCTGCAGCTTCTC[G>C]TTGGTGTAGTTGATGCACAGCTGCTCGAAGGAGTTCACCTGAGCACATGGCGTGGGGGCG-3'
Protein context (NP_002465.1, residues 470-490): SFEQLCINYT[Asn480Lys]EKLQQLFNHT

ClinVar aggregate classification (germline): Uncertain significance (1 of 4 stars; one submission).

Conditions:
Familial thoracic aortic aneurysm and aortic dissection (TAAD). Also called: Thoracic aortic aneurysms and dissections. Identifiers: Orphanet 91387, MedGen C4707243, MONDO:0019625.

gnomAD v4.1: 2 of 1,614,194 alleles (0.00012%); highest among the groups gnomAD compares: Non-Finnish European, 0.00017%; no homozygotes.

Submission:

All of Us Research Program, National Institutes of Health
Classification: Uncertain significance for Familial thoracic aortic aneurysm and aortic dissection. Last evaluated: 2023-10-02. Review status: criteria provided, single submitter. Criteria: ACMG Guidelines, 2015. Collection method: clinical testing. Allele origin: germline. Inheritance: Autosomal dominant inheritance. Observed: 1 variant allele, 1 heterozygote.
Comment: This missense variant replaces asparagine with lysine at codon 487 of the MYH11 protein. Computational prediction suggests that this variant may have deleterious impact on protein structure and function (internally defined REVEL score threshold >= 0.7, PMID: 27666373). To our knowledge, functional studies have not been reported for this variant. This variant has not been reported in individuals affected with MYH11-related disorders in the literature. This variant has not been identified in the general population by the Genome Aggregation Database (gnomAD). The available evidence is insufficient to determine the role of this variant in disease conclusively. Therefore, this variant is classified as a Variant of Uncertain Significance.

This study involves interpretation of variants in research participants for the purpose of population health screening. Participant phenotype was not available at the time of variant classification. Additional details can be found in publication PMID: 35346344, PMCID: PMC8962531